The following is an entry in ClinVar:

NM_004360.5(CDH1):c.833-275_856del

Gene: CDH1 (cadherin 1; plus strand). Cytogenetic location: 16q22.1.
Variant type: Deletion.
Coding change: c.833-275_856del on transcript NM_004360.5 (MANE Select); 275 bases into the intron before coding-DNA position 833 through coding-DNA position 856, 299 bases deleted.
Molecular consequence: splice acceptor variant.
Genome position (GRCh38, 1-based): chr16:68,811,409-68,811,707, 299 bases deleted. GRCh37 (hg19): chr16:68,845,312-68,845,610.
Other names: c.-987-275_-964del (NM_001317186.2); c.833-275_856del (NM_001317184.2); c.-783-275_-760del (NM_001317185.2).
Identifiers: ClinVar variation 3602780 (VCV003602780.2).

ClinVar aggregate classification (germline): Likely pathogenic (1 of 4 stars; one submission).

Conditions:
Hereditary diffuse gastric adenocarcinoma (HDGC). Also called: DIFFUSE GASTRIC AND LOBULAR BREAST CANCER SYNDROME. Identifiers: Orphanet 26106, MedGen C1708349, MONDO:0007648, OMIM 137215.

Submission:

Department of Clinical Genetics, Copenhagen University Hospital, Rigshospitalet
Classification: Likely pathogenic for Hereditary diffuse gastric adenocarcinoma. Last evaluated: 2025-02-04. Review status: criteria provided, single submitter. Criteria: ACMG Guidelines, 2015. Collection method: clinical testing. Allele origin: germline.
Comment: PVS1; PM2_SUP